The following is an entry in ClinVar:

ClinVar aggregate classification (germline): Uncertain significance (1 of 4 stars; one submission).

Allele frequency attached by ClinVar (database versions not stated): gnomAD exomes 0.00012 and 0.00025; ExAC 0.00016; gnomAD 0.00019 and 0.00021; TOPMed 0.00020; ESP Exome Variant Server 0.00023.
gnomAD v4.1: 407 of 1,613,818 alleles (0.025%); highest among the groups gnomAD compares: Non-Finnish European, 0.032%; no homozygotes.

Submission:

Labcorp Genetics (formerly Invitae), Labcorp
Classification: Uncertain significance. Last evaluated: 2025-01-14. Review status: criteria provided, single submitter. Criteria: Invitae Variant Classification Sherloc (09022015). Collection method: clinical testing. Allele origin: germline.
Comment: This sequence change replaces lysine, which is basic and polar, with glutamic acid, which is acidic and polar, at codon 647 of the SLC9A3 protein (p.Lys647Glu). This variant is present in population databases (rs145136022, gnomAD 0.03%). This variant has not been reported in the literature in individuals affected with SLC9A3-related conditions. ClinVar contains an entry for this variant (Variation ID: 1409028). Invitae Evidence Modeling of protein sequence and biophysical properties (such as structural, functional, and spatial information, amino acid conservation, physicochemical variation, residue mobility, and thermodynamic stability) indicates that this missense variant is not expected to disrupt SLC9A3 protein function with a negative predictive value of 80%. In summary, the available evidence is currently insufficient to determine the role of this variant in disease. Therefore, it has been classified as a Variant of Uncertain Significance.

NM_004174.4(SLC9A3):c.1939A>G (p.Lys647Glu)

Genes: SLC9A3 (solute carrier family 9 member A3), SLC9A3-AS1 (SLC9A3 antisense RNA 1; plus strand). Cytogenetic location: 5p15.33.
Variant type: single nucleotide variant.
Coding change: c.1939A>G on transcript NM_004174.4 (MANE Select); coding-DNA position 1939, A replaced by G.
Protein change: p.Lys647Glu; replaces lysine 647 with glutamic acid.
Molecular consequence: missense variant. On other transcripts: non-coding transcript variant (1).
Genome position (GRCh38, 1-based): chr5:476,330, T>C on the plus strand (A>G on the coding strand, the complement: SLC9A3 is on the minus strand). VCF-style: chr5-476330-T-C. GRCh37 (hg19) VCF-style: chr5-476445-T-C.
Other names: c.1912A>G, p.Lys638Glu (NM_001284351.3); short protein forms K647E, K638E.
Identifiers: ClinVar variation 1409028 (VCV001409028.5), dbSNP rs145136022, ClinGen allele CA3175632.